The following is an entry in ClinVar:

NM_001353345.2(SETD1B):c.4765C>A (p.Gln1589Lys)

Gene: SETD1B (SET domain containing 1B, histone lysine methyltransferase; plus strand). Cytogenetic location: 12q24.31.
Variant type: single nucleotide variant.
Coding change: c.4765C>A on transcript NM_001353345.2 (MANE Select); coding-DNA position 4765, C replaced by A.
Protein change: p.Gln1589Lys; replaces glutamine 1589 with lysine.
Molecular consequence: missense variant.
Genome position (GRCh38, 1-based): chr12:121,823,344, C>A. VCF-style: chr12-121823344-C-A. GRCh37 (hg19) VCF-style: chr12-122261250-C-A.
Other names: NM_015048.1:c.4636C>A; short protein forms Q1589K.
Identifiers: ClinVar variation 3440173 (VCV003440173.8).

ClinVar aggregate classification (germline): Likely benign. Review status: criteria provided, multiple submitters, no conflicts (2 of 4 stars). 2 submissions from 2 submitters: Likely benign (2). Last evaluated 2025-09-01.

Conditions:
Inborn genetic diseases. Identifiers: MedGen C0950123, MeSH D030342.

Submissions (2):

CeGaT Center for Human Genetics Tuebingen
Classification: Likely benign. Last evaluated: 2025-09-01. Review status: criteria provided, single submitter. Criteria: CeGaT Center For Human Genetics Tuebingen Variant Classification Criteria Version 2. Collection method: clinical testing. Allele origin: germline. Affected: yes. Observed: 1 variant allele.
Comment: SETD1B: BS1

Ambry Genetics
Classification: Likely benign for Inborn genetic diseases. Last evaluated: 2024-06-26. Review status: criteria provided, single submitter. Criteria: Ambry Variant Classification Scheme 2023. Collection method: clinical testing. Allele origin: germline.